The following is an entry in ClinVar:

ClinVar aggregate classification (germline): Uncertain significance (1 of 4 stars; one submission).

Submission:

Labcorp Genetics (formerly Invitae), Labcorp
Classification: Uncertain significance. Last evaluated: 2021-07-15. Review status: criteria provided, single submitter. Criteria: Invitae Variant Classification Sherloc (09022015). Collection method: clinical testing. Allele origin: germline.
Comment: Algorithms developed to predict the effect of missense changes on protein structure and function are either unavailable or do not agree on the potential impact of this missense change (SIFT: "Deleterious"; PolyPhen-2: "Benign"; Align-GVGD: "Class C0"). In summary, the available evidence is currently insufficient to determine the role of this variant in disease. Therefore, it has been classified as a Variant of Uncertain Significance. This variant has not been reported in the literature in individuals affected with C8A-related conditions. This variant is not present in population databases (ExAC no frequency). This sequence change replaces glutamic acid with glycine at codon 104 of the C8A protein (p.Glu104Gly). The glutamic acid residue is moderately conserved and there is a moderate physicochemical difference between glutamic acid and glycine.

NM_000562.3(C8A):c.311A>G (p.Glu104Gly)

Gene: C8A (complement C8 alpha chain; plus strand). Cytogenetic location: 1p32.2.
Variant type: single nucleotide variant.
Coding change: c.311A>G on transcript NM_000562.3 (MANE Select); coding-DNA position 311, A replaced by G.
Protein change: p.Glu104Gly; replaces glutamic acid 104 with glycine.
Molecular consequence: missense variant.
Genome position (GRCh38, 1-based): chr1:56,875,088, A>G. VCF-style: chr1-56875088-A-G. GRCh37 (hg19) VCF-style: chr1-57340761-A-G.
Other names: short protein forms E104G.
Identifiers: ClinVar variation 1434768 (VCV001434768.8), dbSNP rs2101217268, ClinGen allele CA340512883.